The following is an entry in ClinVar:

NM_014363.6(SACS):c.12086C>G (p.Ala4029Gly)

Gene: SACS (sacsin molecular chaperone; minus strand). Cytogenetic location: 13q12.12.
Variant type: single nucleotide variant.
Coding change: c.12086C>G on transcript NM_014363.6 (MANE Select); coding-DNA position 12086, C replaced by G.
Protein change: p.Ala4029Gly; replaces alanine 4029 with glycine.
Molecular consequence: missense variant.
Genome position (GRCh38, 1-based): chr13:23,331,790, G>C on the plus strand (C>G on the coding strand, the complement: SACS is on the minus strand). VCF-style: chr13-23331790-G-C. GRCh37 (hg19) VCF-style: chr13-23905929-G-C.
Other names: c.12086C>G (NM_014363.5); c.11645C>G, p.Ala3882Gly (NM_001278055.2); short protein forms A3882G, A4029G.
Identifiers: ClinVar variation 1369822 (VCV001369822.9), dbSNP rs200620627, ClinGen allele CA6910183.
Genomic context (GRCh38, chr13:23,331,790, plus strand): 5'-CAGGATACTTTCAATCCTTCTCTTAGGGCTTTGCAAAGTCTTATGGCTTTTTCTTCATTG[G>C]CCAGAAAAGCATTATCATTTTCATGCTTCATAATTCTAATCAGTCCTGTAATGAACTGTT-3'
Protein context (NP_055178.3, residues 4019-4039): MKHENDNAFL[Ala4029Gly]NEEKAIRLCK

ClinVar aggregate classification (germline): Conflicting classifications of pathogenicity. Review status: criteria provided, conflicting classifications (1 of 4 stars). 2 submissions from 2 submitters: Uncertain significance (1); Likely benign (1). Last evaluated 2026-07-06.

Conditions:
SACS-related disorder. Also called: SACS-related condition.
Spastic paraplegia. Identifiers: MedGen C0037772, HP:0001258.

Allele frequency attached by ClinVar (database versions not stated): gnomAD 0.00001; gnomAD exomes 0.00001; ExAC 0.00003.
gnomAD v4.1: 22 of 1,613,634 alleles (0.0014%); highest among the groups gnomAD compares: Non-Finnish European, 0.00093%; no homozygotes.

Submissions (2):

PreventionGenetics, part of Exact Sciences
Classification: Uncertain significance for SACS-related condition. Last evaluated: 2026-07-06. Review status: criteria provided, single submitter. Criteria: ACMG Guidelines, 2015. Collection method: clinical testing. Allele origin: germline.
Comment: The SACS c.12086C>G variant is predicted to result in the amino acid substitution p.Ala4029Gly. To our knowledge, this variant has not been reported in the literature. This variant is reported in 0.012% of alleles in individuals of European (Finnish) descent in gnomAD. At this time, the clinical significance of this variant is uncertain due to the absence of conclusive functional and genetic evidence.

Labcorp Genetics (formerly Invitae), Labcorp
Classification: Likely benign for Spastic paraplegia. Last evaluated: 2025-04-29. Review status: criteria provided, single submitter. Criteria: Invitae Variant Classification Sherloc (09022015). Collection method: clinical testing. Allele origin: germline.